The following is an entry in ClinVar:

ClinVar aggregate classification (germline): Uncertain significance (1 of 4 stars; one submission).

Conditions:
Primary ciliary dyskinesia. Also called: Ciliary dyskinesia. Identifiers: Orphanet 244, MedGen C0008780, MONDO:0016575, HP:0012265.

Submission:

Labcorp Genetics (formerly Invitae), Labcorp
Classification: Uncertain significance for Primary ciliary dyskinesia. Last evaluated: 2022-05-15. Review status: criteria provided, single submitter. Criteria: Invitae Variant Classification Sherloc (09022015). Collection method: clinical testing. Allele origin: germline.
Comment: Advanced modeling of protein sequence and biophysical properties (such as structural, functional, and spatial information, amino acid conservation, physicochemical variation, residue mobility, and thermodynamic stability) performed at Invitae indicates that this missense variant is not expected to disrupt DNAH5 protein function. In summary, the available evidence is currently insufficient to determine the role of this variant in disease. Therefore, it has been classified as a Variant of Uncertain Significance. This variant has not been reported in the literature in individuals affected with DNAH5-related conditions. This variant is not present in population databases (gnomAD no frequency). This sequence change replaces cysteine, which is neutral and slightly polar, with serine, which is neutral and polar, at codon 4621 of the DNAH5 protein (p.Cys4621Ser).

NM_001369.3(DNAH5):c.13862G>C (p.Cys4621Ser)

Gene: DNAH5 (dynein axonemal heavy chain 5; minus strand). Cytogenetic location: 5p15.2.
Variant type: single nucleotide variant.
Coding change: c.13862G>C on transcript NM_001369.3 (MANE Select); coding-DNA position 13862, G replaced by C.
Protein change: p.Cys4621Ser; replaces cysteine 4621 with serine.
Molecular consequence: missense variant.
Genome position (GRCh38, 1-based): chr5:13,691,997, C>G on the plus strand (G>C on the coding strand, the complement: DNAH5 is on the minus strand). VCF-style: chr5-13691997-C-G. GRCh37 (hg19) VCF-style: chr5-13692106-C-G.
Other names: short protein forms C4621S.
Identifiers: ClinVar variation 1994615 (VCV001994615.4), dbSNP rs1554012799, ClinGen allele CA359188506.